The following is an entry in ClinVar:

ClinVar aggregate classification (germline): Uncertain significance (1 of 4 stars; one submission).

Conditions:
Aneurysm-osteoarthritis syndrome. Also called: SMAD3-Related Loeys-Dietz Syndrome; ANEURYSMS-OSTEOARTHRITIS SYNDROME; Loeys-Dietz syndrome, type 1C; LOEYS-DIETZ SYNDROME WITH OSTEOARTHRITIS. Identifiers: Orphanet 284984, MedGen C3151087, MONDO:0013426, OMIM 613795.

Submission:

All of Us Research Program, National Institutes of Health
Classification: Uncertain significance for Aneurysm-osteoarthritis syndrome. Last evaluated: 2023-11-13. Review status: criteria provided, single submitter. Criteria: ACMG Guidelines, 2015. Collection method: clinical testing. Allele origin: germline. Inheritance: Autosomal dominant inheritance. Observed: 1 variant allele, 1 heterozygote.
Comment: This study involves interpretation of variants in research participants for the purpose of population health screening. Participant phenotype was not available at the time of variant classification. Additional details can be found in publication PMID: 35346344, PMCID: PMC8962531

NM_005902.4(SMAD3):c.897C>G (p.Ile299Met)

Gene: SMAD3 (SMAD family member 3; plus strand). Cytogenetic location: 15q22.33.
Variant type: single nucleotide variant.
Coding change: c.897C>G on transcript NM_005902.4 (MANE Select); coding-DNA position 897, C replaced by G.
Protein change: p.Ile299Met; replaces isoleucine 299 with methionine.
Molecular consequence: missense variant. On other transcripts: intron variant (1).
Genome position (GRCh38, 1-based): chr15:67,184,752, C>G. VCF-style: chr15-67184752-C-G. GRCh37 (hg19) VCF-style: chr15-67477090-C-G.
Other names: c.582C>G, p.Ile194Met (NM_001407016.1, NM_001145102.2); c.312C>G, p.Ile104Met (NM_001407017.1, NM_001145104.2); c.872-2613C>G (NM_001407013.1); c.450C>G, p.Ile150Met (NM_001407015.1); c.897C>G, p.Ile299Met (NM_001407011.1); c.765C>G, p.Ile255Met (NM_001407012.1, NM_001145103.2); c.750C>G, p.Ile250Met (NM_001407014.1); short protein forms I104M, I150M, I194M, I250M, I255M, I299M.
Identifiers: ClinVar variation 3072646 (VCV003072646.1), dbSNP rs773943578, ClinGen allele CA392956768.